The following is an entry in ClinVar:

NM_003072.5(SMARCA4):c.10C>T (p.Pro4Ser)

Gene: SMARCA4 (SWI/SNF related BAF chromatin remodeling complex subunit ATPase 4; plus strand). Cytogenetic location: 19p13.2.
Variant type: single nucleotide variant.
Coding change: c.10C>T on transcript NM_003072.5 (MANE Select); coding-DNA position 10, C replaced by T.
Protein change: p.Pro4Ser; replaces proline 4 with serine.
Molecular consequence: missense variant. On other transcripts: non-coding transcript variant (1).
Genome position (GRCh38, 1-based): chr19:10,984,161, C>T. VCF-style: chr19-10984161-C-T. GRCh37 (hg19) VCF-style: chr19-11094837-C-T.
Other names: c.10C>T, p.Pro4Ser (NM_001128844.3, NM_001128845.2, NM_001128846.2 and 4 more transcripts); short protein forms P4S.
Identifiers: ClinVar variation 850739 (VCV000850739.12), dbSNP rs2085801503, ClinGen allele CA404053855.

ClinVar aggregate classification (germline): Uncertain significance. Review status: criteria provided, multiple submitters, no conflicts (2 of 4 stars). 3 submissions from 3 submitters: Uncertain significance (3). Last evaluated 2025-11-20.

Conditions:
Hereditary cancer-predisposing syndrome. Also called: Neoplastic Syndromes, Hereditary; Hereditary neoplastic syndrome; Tumor predisposition; Hereditary Cancer Syndrome. Identifiers: Orphanet 140162, MedGen C0027672, MeSH D009386, MONDO:0015356.
Rhabdoid tumor predisposition syndrome 2 (RTPS2). Identifiers: Orphanet 231108, Orphanet 69077, MedGen C2750074, MONDO:0013224, OMIM 613325.

gnomAD v4.1: 2 of 1,613,682 alleles (0.00012%); highest among the groups gnomAD compares: Non-Finnish European, 0.000085%; no homozygotes.

Submissions (3):

Labcorp Genetics (formerly Invitae), Labcorp
Classification: Uncertain significance for Rhabdoid tumor predisposition syndrome 2. Last evaluated: 2025-11-20. Review status: criteria provided, single submitter. Criteria: Invitae Variant Classification Sherloc (09022015). Collection method: clinical testing. Allele origin: germline.
Comment: This sequence change replaces proline, which is neutral and non-polar, with serine, which is neutral and polar, at codon 4 of the SMARCA4 protein (p.Pro4Ser). This variant is not present in population databases (gnomAD no frequency). This variant has not been reported in the literature in individuals affected with SMARCA4-related conditions. ClinVar contains an entry for this variant (Variation ID: 850739). Experimental studies and prediction algorithms are not available or were not evaluated, and the functional significance of this variant is currently unknown. In summary, the available evidence is currently insufficient to determine the role of this variant in disease. Therefore, it has been classified as a Variant of Uncertain Significance.

Ambry Genetics
Classification: Uncertain significance for Hereditary cancer-predisposing syndrome. Last evaluated: 2025-09-01. Review status: criteria provided, single submitter. Criteria: Ambry Variant Classification Scheme 2023. Collection method: clinical testing. Allele origin: germline.
Comment: The p.P4S variant (also known as c.10C>T), located in coding exon 1 of the SMARCA4 gene, results from a C to T substitution at nucleotide position 10. The proline at codon 4 is replaced by serine, an amino acid with similar properties. This amino acid position is conserved. In addition, the in silico prediction for this alteration is inconclusive. Based on the available evidence, the clinical significance of this variant remains unclear.

GeneDx
Classification: Uncertain significance. Last evaluated: 2023-01-23. Review status: criteria provided, single submitter. Criteria: GeneDx Variant Classification Process June 2021. Collection method: clinical testing. Allele origin: germline.
Comment: Not observed at significant frequency in large population cohorts (gnomAD); In silico analysis supports that this missense variant has a deleterious effect on protein structure/function; Has not been previously published as pathogenic or benign to our knowledge